The following is an entry in ClinVar:

ClinVar aggregate classification (germline): Pathogenic (1 of 4 stars; one submission).

Conditions:
Duchenne muscular dystrophy (DMD). Also called: MUSCULAR DYSTROPHY, PSEUDOHYPERTROPHIC PROGRESSIVE, DUCHENNE TYPE; Duchenne Muscular Dystrophy (DMD). Identifiers: Orphanet 98896, MedGen C0013264, MONDO:0010679, OMIM 310200.

Submission:

Labcorp Genetics (formerly Invitae), Labcorp
Classification: Pathogenic for Duchenne muscular dystrophy. Last evaluated: 2016-10-12. Review status: criteria provided, single submitter. Criteria: Invitae Variant Classification Sherloc (09022015). Collection method: clinical testing. Allele origin: germline.
Comment: This variant is a gross deletion of the genomic region encompassing exons 57-60 of the DMD gene. This creates a premature translational stop signal and is expected to result in an absent or disrupted protein product. While this particular variant has not been reported in the literature, truncating variants in DMD are known to be pathogenic (PMID: 16770791). For these reasons, this variant has been classified as Pathogenic.

NC_000023.11:g.(?_31444481)_(31496944_?)del

Gene: DMD (dystrophin; minus strand). Cytogenetic location: Xp21.2.
Variant type: Deletion.
Identifiers: ClinVar variation 417505 (VCV000417505.1).